The following is an entry in ClinVar:

NM_194302.4(CFAP65):c.5485C>A (p.Gln1829Lys)

Genes: CFAP65 (cilia and flagella associated protein 65; minus strand), CFAP65-AS1 (CFAP65 antisense RNA 1; plus strand). Cytogenetic location: 2q35.
Variant type: single nucleotide variant.
Coding change: c.5485C>A on transcript NM_194302.4 (MANE Select); coding-DNA position 5485, C replaced by A.
Protein change: p.Gln1829Lys; replaces glutamine 1829 with lysine.
Molecular consequence: missense variant.
Genome position (GRCh38, 1-based): chr2:219,004,022, G>T on the plus strand (C>A on the coding strand, the complement: CFAP65 is on the minus strand). VCF-style: chr2-219004022-G-T. GRCh37 (hg19) VCF-style: chr2-219868744-G-T.
Other names: short protein forms Q1829K.
Identifiers: ClinVar variation 1048944 (VCV001048944.1), dbSNP rs535436534, ClinGen allele CA2114655.

ClinVar aggregate classification (germline): Uncertain significance (0 of 4 stars; one submission).

Allele frequency attached by ClinVar (database versions not stated): gnomAD 0.00002; gnomAD exomes 0.00002 and 0.00001; 1000 Genomes Project 30x 0.00016; 1000 Genomes Project 0.00020.

Submission:

Department of Pathology and Laboratory Medicine, Sinai Health System
Classification: Uncertain significance. Review status: no assertion criteria provided. Collection method: clinical testing. Allele origin: unknown. Affected: yes. Study: The Canadian Open Genetics Repository (COGR).
Comment: The CFAP65 p.Q1829K variant was not identified in the literature nor was it identified in Clinvar. The variant was identified in dbSNP (ID: rs535436534) and in control databases in 6 of 251306 chromosomes at a frequency of 0.00002388 (Genome Aggregation Database March 6, 2019, v2.1.1). The p.Q1829 residue is conserved in mammals and computational analyses (MUT Assesor, PolyPhen-2, SIFT, MutationTaster, Revel, FATHMM, MetaLR, DANN) do not suggest a high likelihood of impact to the protein; this information is not predictive enough to rule out pathogenicity. The variant occurs outside of the splicing consensus sequence and in silico or computational prediction software programs (Splice AI exome) do not predict a deleterious effect on splicing. In summary, based on the above information the clinical significance of this variant cannot be determined with certainty at this time. This variant is classified as a variant of uncertain significance.